The following is an entry in ClinVar:

NM_002168.4(IDH2):c.1271+13G>C

Gene: IDH2 (isocitrate dehydrogenase (NADP(+)) 2; minus strand). Cytogenetic location: 15q26.1.
Variant type: single nucleotide variant.
Coding change: c.1271+13G>C on transcript NM_002168.4 (MANE Select); 13 bases into the intron after coding-DNA position 1271, G replaced by C.
Molecular consequence: intron variant.
Genome position (GRCh38, 1-based): chr15:90,084,803, C>G on the plus strand (G>C on the coding strand, the complement: IDH2 is on the minus strand). VCF-style: chr15-90084803-C-G. GRCh37 (hg19) VCF-style: chr15-90628035-C-G.
Other names: c.881+13G>C (NM_001290114.2); c.1115+13G>C (NM_001289910.1).
Identifiers: ClinVar variation 3626260 (VCV003626260.2).

ClinVar aggregate classification (germline): Uncertain significance (1 of 4 stars; one submission).

Conditions:
D-2-hydroxyglutaric aciduria 2 (D2HGA2). Identifiers: Orphanet 79315, MedGen C3150909, MONDO:0013345, OMIM 613657.

Submission:

Labcorp Genetics (formerly Invitae), Labcorp
Classification: Uncertain significance for D-2-hydroxyglutaric aciduria 2. Last evaluated: 2024-07-30. Review status: criteria provided, single submitter. Criteria: Invitae Variant Classification Sherloc (09022015). Collection method: clinical testing. Allele origin: germline.
Comment: This sequence change falls in intron 10 of the IDH2 gene. It does not directly change the encoded amino acid sequence of the IDH2 protein. This variant is present in population databases (rs756824949, gnomAD 0.007%). This variant has not been reported in the literature in individuals affected with IDH2-related conditions. Algorithms developed to predict the effect of sequence changes on RNA splicing suggest that this variant may disrupt the consensus splice site. In summary, the available evidence is currently insufficient to determine the role of this variant in disease. Therefore, it has been classified as a Variant of Uncertain Significance.